The following is an entry in ClinVar:

NM_001282531.3(ADNP):c.3047dup (p.Ala1017fs)

Gene: ADNP (activity dependent neuroprotector homeobox; minus strand). Cytogenetic location: 20q13.13.
Variant type: Duplication.
Coding change: c.3047dup on transcript NM_001282531.3 (MANE Select); coding-DNA position 3047, one base duplicated (A; older notation c.3047dupA).
Protein change: p.Ala1017fs; shifts the reading frame from alanine 1017.
Molecular consequence: frameshift variant.
Genome position (GRCh38, 1-based): chr20:50,891,667, T duplicated on the plus strand (A on the coding strand, the reverse complement: ADNP is on the minus strand); the first of 8 consecutive T bases (chr20:50,891,667-50,891,674); duplicating any one gives the same sequence. VCF-style (leftmost placement, unchanged base first): chr20-50891666-C-CT. GRCh37 (hg19) VCF-style: chr20-49508203-C-CT.
Other names: c.3047dupA (NM_015339.4); c.3047dup, p.Ala1017fs (NM_001282532.2, NM_001347511.2, NM_015339.5 and 1 more transcripts); short protein forms A1017fs.
Identifiers: ClinVar variation 2501307 (VCV002501307.11), dbSNP rs761350619, ClinGen allele CA9908463.

ClinVar aggregate classification (germline): Conflicting classifications of pathogenicity. Review status: criteria provided, conflicting classifications (1 of 4 stars). 6 submissions from 6 submitters: Pathogenic (1); Likely pathogenic (3); Uncertain significance (2). Last evaluated 2025-12-18.

Conditions:
ADNP-related multiple congenital anomalies - intellectual disability - autism spectrum disorder. Also called: Helsmoortel-Van der Aa Syndrome; ADNP-Related Helsmoortel-Van der Aa Syndrome. Identifiers: Orphanet 404448, MedGen C4014538, MONDO:0014379, OMIM 615873. Disease mechanism: loss of function.

Submissions (6):

GeneDx
Classification: Uncertain significance. Last evaluated: 2025-12-18. Review status: criteria provided, single submitter. Criteria: GeneDx Variant Classification Process June 2021. Collection method: clinical testing. Allele origin: germline. Affected: yes.
Comment: Observed in large scale studies of individuals with autism or unspecified developmental disorders in the published literature; however, detailed clinical information was not provided (PMID: 30564305, 29724491, 33004838, 38958063); Frameshift variant predicted to result in protein truncation as the last 86 amino acids are lost and replaced with 5 incorrect amino acids, although loss-of-function variants have not been reported downstream of this position in the protein; This variant is associated with the following publications: (PMID: 27308845, 33004838, 29724491, 37506195, 28135719, 38958063, 30564305)

Labcorp Genetics (formerly Invitae), Labcorp
Classification: Pathogenic. Last evaluated: 2025-07-15. Review status: criteria provided, single submitter. Criteria: Invitae Variant Classification Sherloc (09022015). Collection method: clinical testing. Allele origin: germline.
Comment: This sequence change creates a premature translational stop signal (p.Ala1017Glyfs*6) in the ADNP gene. While this is not anticipated to result in nonsense mediated decay, it is expected to disrupt the last 86 amino acid(s) of the ADNP protein. The frequency data for this variant in the population databases is considered unreliable, as metrics indicate poor data quality at this position in the gnomAD database. This premature translational stop signal has been observed in individual(s) with clinical features of Helsmoortel-Van der Aa syndrome (PMID: 29724491, 33004838). ClinVar contains an entry for this variant (Variation ID: 2501307). This variant disrupts a region of the ADNP protein in which other variant(s) (p.Met1088Serfs*5) have been determined to be pathogenic (PMID: 28135719). This suggests that this is a clinically significant region of the protein, and that variants that disrupt it are likely to be disease-causing. For these reasons, this variant has been classified as Pathogenic.

3billion
Classification: Likely pathogenic for ADNP-related multiple congenital anomalies - intellectual disability - autism spectrum disorder. Last evaluated: 2025-01-08. Review status: criteria provided, single submitter. Criteria: ACMG Guidelines, 2015. Collection method: clinical testing. Allele origin: germline. Affected: yes.
Comment: The variant is observed at an extremely low frequency in the gnomAD v4.1.0 dataset (total allele frequency: 0.002%). Predicted Consequence/Location: Frameshift: predicted to result in a loss or disruption of normal protein function through protein truncation. The predicted truncated protein may be shortened by less than 10%. The variant has been reported at least twice as pathogenic with clinical assertions and evidence for the classification (ClinVar ID: VCV002501307 /PMID: 29724491). Therefore, this variant is classified as Likely pathogenic according to the recommendation of ACMG/AMP guideline.

Women's Health and Genetics/Laboratory Corporation of America, LabCorp
Classification: Likely pathogenic for ADNP-related multiple congenital anomalies - intellectual disability - autism spectrum disorder. Last evaluated: 2023-09-11. Review status: criteria provided, single submitter. Criteria: LabCorp Variant Classification Summary - May 2015. Collection method: clinical testing. Allele origin: germline.
Comment: Variant summary: ADNP c.3047dupA (p.Ala1017GlyfsX6) results in a premature termination codon in the last exon, therefore it is not expected to cause nonsense mediated decay (NMD), but is predicted to cause a truncation of the encoded protein (removing the C-terminal part of the 1102 amino acid long protein). Truncations downstream from this position have been reported in affected individuals (HGMD). The variant allele was found at a frequency of 1.6e-05 in 248546 control chromosomes in the gnomAD database, exomes dataset (i.e. 4 / 248546 alleles, however these four samples didn't pass the quality filters, therefore the occurrence data might not be reliable). The variant, c.3047dupA, has been reported in the literature in individuals affected with ADNP-Related Multiple Congenital Anomalies-Intellectual Disability-Autism Spectrum Disorder (e.g. Guo_2018, VanDijck_2018, Wang_2020), and in multiple cases the variant was noted to be inherited from an apparently unaffected parent, or from a parent with milder phenotype. These data indicate that the variant may be associated with disease. To our knowledge, no experimental evidence demonstrating an impact on protein function has been reported. The following publications have been ascertained in the context of this evaluation (PMID: 30564305, 29724491, 33004838). One submitter has cited clinical-significance assessments for this variant to ClinVar after 2014 and has classified the variant as likely pathogenic. Based on the evidence outlined above, the variant was classified as likely pathogenic.

Neuberg Centre For Genomic Medicine, NCGM
Classification: Likely pathogenic for ADNP-related multiple congenital anomalies - intellectual disability - autism spectrum disorder. Last evaluated: 2023-05-20. Review status: criteria provided, single submitter. Criteria: ACMG Guidelines, 2015. Collection method: clinical testing. Allele origin: germline. Inheritance: Autosomal recessive inheritance. Affected: yes.
Comment: The observed frameshift variant c.3047dup(p.Ala1017GlyfsTer6) in the ADNP gene has not been reported previously as a pathogenic variant nor as a benign variant, to our knowledge. This variant is reported with the allele frequency 0.002% in the gnomAD Exomes. This variant causes a frameshift starting with codon Alanine 1017, changes this amino acid to Glycine residue, and creates a premature Stop codon at position 6 of the new reading frame, denoted p.Ala1017GlyfsTer6. Though this variant is present in the last exon, there are three heterozygous variants reported beyond this position in the ClinVar database. This variant is predicted to cause loss of normal protein function through protein truncation. Loss of function variants have been previously reported to be disease causing (Van Dijck A, et al., 2019). For these reasons, this variant has been classified as Likely Pathogenic.

Juno Genomics, Hangzhou Juno Genomics, Inc
Classification: Uncertain significance for ADNP-related multiple congenital anomalies - intellectual disability - autism spectrum disorder. Review status: criteria provided, single submitter. Criteria: ACMG Guidelines, 2015. Collection method: clinical testing. Allele origin: germline.
Comment: Absent from controls (or at extremely low frequency if recessive) in Genome Aggregation Database.;Null variant in a gene where loss of function (LOF) is a known mechanism of disease.;The prevalence of the variant in affected individuals is significantly increased compared to the prevalence in controls.

Literature cited by the submitters: PubMed 29724491 (cited by 3 submitters); PubMed 33004838 (cited by Labcorp Genetics (formerly Invitae), Labcorp and Women's Health and Genetics/Laboratory Corporation of America, LabCorp); PubMed 28135719 (cited by Labcorp Genetics (formerly Invitae), Labcorp); PubMed 30564305 (cited by Women's Health and Genetics/Laboratory Corporation of America, LabCorp).